The following is an entry in ClinVar:

ClinVar aggregate classification (germline): Uncertain significance. Review status: criteria provided, multiple submitters, no conflicts (2 of 4 stars). 3 submissions from 3 submitters: Uncertain significance (3). Last evaluated 2024-07-09.

Conditions:
Cardiovascular phenotype. Identifiers: MedGen CN230736.
Hereditary cancer-predisposing syndrome. Also called: Neoplastic Syndromes, Hereditary; Tumor predisposition; Hereditary neoplastic syndrome; Hereditary Cancer Syndrome. Identifiers: Orphanet 140162, MedGen C0027672, MeSH D009386, MONDO:0015356.
Juvenile myelomonocytic leukemia (JMML). Also called: LEUKEMIA, JUVENILE MYELOMONOCYTIC, SOMATIC. Identifiers: Orphanet 86834, MedGen C0349639, MONDO:0011908, OMIM 607785, HP:0012209.
Neurofibromatosis, type 1 (NF1). Also called: VON RECKLINGHAUSEN DISEASE; NEUROFIBROMATOSIS, TYPE I, SOMATIC; Peripheral type neurofibromatosis; Neurofibromatosis, type I. Identifiers: Orphanet 636, MedGen C0027831, MONDO:0018975, OMIM 162200. Disease mechanism: loss of function.

Submissions (3):

Ambry Genetics
Classification: Uncertain significance for Cardiovascular phenotype; Hereditary cancer-predisposing syndrome. Last evaluated: 2024-07-09. Review status: criteria provided, single submitter. Criteria: Ambry Variant Classification Scheme 2023. Collection method: clinical testing. Allele origin: germline.
Comment: The p.M1271L variant (also known as c.3811A>C), located in coding exon 28 of the NF1 gene, results from an A to C substitution at nucleotide position 3811. The methionine at codon 1271 is replaced by leucine, an amino acid with highly similar properties. This amino acid position is conserved. In addition, the in silico prediction for this alteration is inconclusive. Based on the available evidence, the clinical significance of this variant remains unclear.

Labcorp Genetics (formerly Invitae), Labcorp
Classification: Uncertain significance for Neurofibromatosis, type 1. Last evaluated: 2024-04-23. Review status: criteria provided, single submitter. Criteria: Invitae Variant Classification Sherloc (09022015). Collection method: clinical testing. Allele origin: germline.
Comment: This sequence change replaces methionine, which is neutral and non-polar, with leucine, which is neutral and non-polar, at codon 1271 of the NF1 protein (p.Met1271Leu). This variant is not present in population databases (gnomAD no frequency). This variant has not been reported in the literature in individuals affected with NF1-related conditions. ClinVar contains an entry for this variant (Variation ID: 527442). Advanced modeling of protein sequence and biophysical properties (such as structural, functional, and spatial information, amino acid conservation, physicochemical variation, residue mobility, and thermodynamic stability) has been performed at Invitae for this missense variant, however the output from this modeling did not meet the statistical confidence thresholds required to predict the impact of this variant on NF1 protein function. In summary, the available evidence is currently insufficient to determine the role of this variant in disease. Therefore, it has been classified as a Variant of Uncertain Significance.

Baylor Genetics
Classification: Uncertain significance for Juvenile myelomonocytic leukemia. Last evaluated: 2023-10-30. Review status: criteria provided, single submitter. Criteria: ACMG Guidelines, 2015. Collection method: clinical testing. Allele origin: unknown.

NM_001042492.3(NF1):c.3811A>C (p.Met1271Leu)

Gene: NF1 (neurofibromin 1; plus strand). Cytogenetic location: 17q11.2.
Variant type: single nucleotide variant.
Coding change: c.3811A>C on transcript NM_001042492.3 (MANE Select); coding-DNA position 3811, A replaced by C.
Protein change: p.Met1271Leu; replaces methionine 1271 with leucine.
Molecular consequence: missense variant.
Genome position (GRCh38, 1-based): chr17:31,235,713, A>C. VCF-style: chr17-31235713-A-C. GRCh37 (hg19) VCF-style: chr17-29562731-A-C.
Other names: c.3811A>C, p.Met1271Leu (NM_000267.4); short protein forms M1271L.
Identifiers: ClinVar variation 527442 (VCV000527442.8), dbSNP rs746583007, ClinGen allele CA398992692.